The following is an entry in ClinVar:

ClinVar aggregate classification (germline): Uncertain significance (1 of 4 stars; one submission).

Conditions:
Ataxia-telangiectasia syndrome (AT). Also called: Ataxia-telangiectasia, complementation group E; Ataxia telangiectasia (A-T); LOUIS-BAR SYNDROME; ATAXIA-TELANGIECTASIA, FRESNO VARIANT; AT, COMPLEMENTATION GROUP C; Ataxia-telangiectasia. Identifiers: Orphanet 100, MedGen C0004135, MONDO:0008840, OMIM 208900.

Submission:

Labcorp Genetics (formerly Invitae), Labcorp
Classification: Uncertain significance for Ataxia-telangiectasia syndrome. Last evaluated: 2021-08-28. Review status: criteria provided, single submitter. Criteria: Invitae Variant Classification Sherloc (09022015). Collection method: clinical testing. Allele origin: germline.
Comment: This sequence change replaces leucine with proline at codon 150 of the ATM protein (p.Leu150Pro). The leucine residue is highly conserved and there is a moderate physicochemical difference between leucine and proline. This variant is not present in population databases (ExAC no frequency). This missense change has been observed in individual(s) with clinical features of ataxia-telangiectasia (PMID: 28849312). Algorithms developed to predict the effect of missense changes on protein structure and function (SIFT, PolyPhen-2, Align-GVGD) all suggest that this variant is likely to be disruptive. In summary, the available evidence is currently insufficient to determine the role of this variant in disease. Therefore, it has been classified as a Variant of Uncertain Significance.

Literature cited by the submitters: PubMed 28849312.

NM_000051.4(ATM):c.449T>C (p.Leu150Pro)

Gene: ATM (ATM serine/threonine kinase; plus strand). Cytogenetic location: 11q22.3.
Variant type: single nucleotide variant.
Coding change: c.449T>C on transcript NM_000051.4 (MANE Select); coding-DNA position 449, T replaced by C.
Protein change: p.Leu150Pro; replaces leucine 150 with proline.
Molecular consequence: missense variant.
Genome position (GRCh38, 1-based): chr11:108,235,787, T>C. VCF-style: chr11-108235787-T-C. GRCh37 (hg19) VCF-style: chr11-108106514-T-C.
Other names: c.449T>C, p.Leu150Pro (NM_001351834.2); short protein forms L150P.
Identifiers: ClinVar variation 948868 (VCV000948868.6), dbSNP rs2079244605, ClinGen allele CA382525336.
Genomic context (GRCh38, chr11:108,235,787, plus strand): 5'-ATTCATCTAATGGTGCTATTTACGGAGCTGATTGTAGCAACATACTACTCAAAGACATTC[T>C]TTCTGTGAGAAAATACTGGTGTGAAATATCTCAGCAACAGTGGTTAGGTATGTTTTGAAG-3'
Protein context (NP_000042.3, residues 140-160): DCSNILLKDI[Leu150Pro]SVRKYWCEIS